The following is an entry in ClinVar:

ClinVar aggregate classification (germline): Uncertain significance (1 of 4 stars; one submission).

Conditions:
Renal cell carcinoma. Identifiers: Orphanet 217071, MedGen C0007134, MeSH D002292, MONDO:0005086, HP:0005584.

Submission:

Labcorp Genetics (formerly Invitae), Labcorp
Classification: Uncertain significance for Renal cell carcinoma. Last evaluated: 2020-03-17. Review status: criteria provided, single submitter. Criteria: Invitae Variant Classification Sherloc (09022015). Collection method: clinical testing. Allele origin: germline.
Comment: This variant has not been reported in the literature in individuals with MET-related conditions. This sequence change falls in intron 4 of the MET gene. It does not directly change the encoded amino acid sequence of the MET protein, but it affects a nucleotide within the consensus splice site of the intron. This variant is not present in population databases (ExAC no frequency). Nucleotide substitutions within the consensus splice site are a relatively common cause of aberrant splicing (PMID: 17576681, 9536098). Algorithms developed to predict the effect of sequence changes on RNA splicing suggest that this variant may create or strengthen a splice site, but this prediction has not been confirmed by published transcriptional studies. In summary, the available evidence is currently insufficient to determine the role of this variant in disease. Therefore, it has been classified as a Variant of Uncertain Significance.

Literature cited by the submitters: PubMed 17576681; PubMed 9536098.

NM_000245.4(MET):c.1527+6C>G

Gene: MET (MET proto-oncogene, receptor tyrosine kinase; plus strand). Cytogenetic location: 7q31.2.
Variant type: single nucleotide variant.
Coding change: c.1527+6C>G on transcript NM_000245.4 (MANE Select); 6 bases into the intron after coding-DNA position 1527, C replaced by G.
Molecular consequence: intron variant.
Genome position (GRCh38, 1-based): chr7:116,740,090, C>G. VCF-style: chr7-116740090-C-G. GRCh37 (hg19) VCF-style: chr7-116380144-C-G.
Other names: c.1527+6C>G (NM_001127500.3, NM_001324401.3); c.237+6C>G (NM_001324402.2).
Identifiers: ClinVar variation 1024132 (VCV001024132.8), dbSNP rs1793387165, ClinGen allele CA1737027066.